The following is an entry in ClinVar:

NM_000492.4(CFTR):c.1399C>T (p.Leu467Phe)

Genes: CFTR (CF transmembrane conductance regulator; plus strand), CFTR-AS1 (CFTR antisense RNA 1; minus strand). Cytogenetic location: 7q31.2.
Variant type: single nucleotide variant.
Coding change: c.1399C>T on transcript NM_000492.4 (MANE Select); coding-DNA position 1399, C replaced by T.
Protein change: p.Leu467Phe; replaces leucine 467 with phenylalanine.
Molecular consequence: missense variant.
Genome position (GRCh38, 1-based): chr7:117,559,470, C>T. VCF-style: chr7-117559470-C-T. GRCh37 (hg19) VCF-style: chr7-117199524-C-T.
Other names: 1531C/T (L467F); short protein forms L467F.
Identifiers: ClinVar variation 53246 (VCV000053246.76), dbSNP rs1800089, ClinGen allele CA326471.

ClinVar aggregate classification (germline): Conflicting classifications of pathogenicity. Review status: criteria provided, conflicting classifications (1 of 4 stars). 17 submissions from 16 submitters: Likely pathogenic (5); Uncertain significance (8); Likely benign (3). 1 of the submissions does not count toward it. Last evaluated 2026-08-24.

Conditions:
Fetal anomalies with a likely genetic cause.
CFTR-related disorder (CFTR-RD). Also called: CFTR-related condition; CFTR-related disorders. Identifiers: MedGen C5924204, MONDO:7770004.
Bronchiectasis with or without elevated sweat chloride 1 (BESC1). Also called: Cystic Fibrosis-Like Syndrome. Identifiers: Orphanet 60033, MedGen C2749757, MONDO:0008887, OMIM 211400.
Cystic fibrosis (CF). Also called: MUCOVISCIDOSIS. Identifiers: Orphanet 586, MedGen C0010674, MONDO:0009061, OMIM 219700. Disease mechanism: loss of function.

Allele frequency attached by ClinVar (database versions not stated): gnomAD exomes 0.00002 and 0.00004; ExAC 0.00005; gnomAD 0.00005 and 0.00006; TOPMed 0.00005; ESP Exome Variant Server 0.00038.
gnomAD v4.1: 40 of 1,601,010 alleles (0.0025%); highest among the groups gnomAD compares: Non-Finnish European, 0.0033%; no homozygotes.

Submissions 1 to 9 of 17:

Institute of Human Genetics, University of Leipzig Medical Center
Classification: Likely pathogenic for Cystic fibrosis. Last evaluated: 2026-08-24. Review status: criteria provided, single submitter. Criteria: ACMG Guidelines, 2015. Collection method: clinical testing. Allele origin: unknown. Inheritance: Autosomal recessive inheritance. Affected: yes.
Comment: Criteria applied: PM5,PS3_SUP,PM2_SUP,PM3_SUP,PP3; Identified as compund heterozygous with NM_000492.4:c.1624G>T

CeGaT Center for Human Genetics Tuebingen
Classification: Likely pathogenic. Last evaluated: 2026-07-01. Review status: criteria provided, single submitter. Criteria: CeGaT Center For Human Genetics Tuebingen Variant Classification Criteria Version 2. Collection method: clinical testing. Allele origin: germline. Affected: yes. Observed: 5 variant alleles.
Comment: CFTR: PM2, PM3, PM5, PP3, PS3:Supporting

PreventionGenetics, part of Exact Sciences
Classification: Uncertain significance for CFTR-related condition. Last evaluated: 2026-03-23. Review status: criteria provided, single submitter. Criteria: ACMG Guidelines, 2015. Collection method: clinical testing. Allele origin: germline.
Comment: The CFTR c.1399C>T variant is predicted to result in the amino acid substitution p.Leu467Phe. This variant has been reported along with p.Phe508del in a non-affected individual (Sobczyriska-Tomaszewska et al. 2013. PubMed ID: 22892530). It has been reported in the heterozygous state in individuals with cystic fibrosis or cystic fibrosis related disorders, without indication of a second pathogenic variant (Elahi et al. 2006. PubMed ID: 16436643; Amato et al. 2011. PubMed ID: 22020151). This variant has been reported as a complex allele (variants in cis on the same allele) with p.Phe508del in individuals with cystic fibrosis (Petrova et al. 2022. PubMed ID: 35365085). There was no difference in disease severity when comparing patients with the complex allele to those who were homozygous for p.Phe508del (Petrova et al. 2022. PubMed ID: 35365085). Minigene analysis using HEK293 cells showed this variant affects protein maturation and channel activity, and also demonstrated that p.Phe508del alone recovers with corrector/potentiator treatment; however, this same treatment was ineffective for the complex allele (Baatallah et al. 2018. PubMed ID: 29271547). An alternate nucleotide change affecting the same amino acid (p.Leu467Pro) has been reported to be pathogenic (Sosnay et al. 2013. PubMed ID: 23974870; Internal Data, PreventionGenetics). This variant is reported in 0.0085% of alleles in individuals of European (non-Finnish) descent in gnomAD. This variant has conflicting classifications in ClinVar ranging from likely benign to likely pathogenic (Variation ID: 53246). At this time, the clinical significance of this variant is uncertain due to the absence of conclusive functional and genetic evidence.

Genetics Laboratory, Great Ormond Street Hospital NHS Foundation Trust, North Thames Genomic Laboratory Hub
Classification: Uncertain significance for Fetal anomalies with a likely genetic cause. Last evaluated: 2026-02-26. Review status: criteria provided, single submitter. Criteria: ACGS Best Practice Guidelines for Variant Classification in Rare Disease 2024 v1.2. Collection method: clinical testing. Allele origin: germline. Affected: yes.
Comment: PM2_moderate, PP3_supporting, PM5_supporting, PS3_moderate, BP2_supporting

Women's Health and Genetics/Laboratory Corporation of America, LabCorp
Classification: Uncertain significance. Last evaluated: 2026-01-26. Review status: criteria provided, single submitter. Criteria: LabCorp Variant Classification Summary - May 2015. Collection method: clinical testing. Allele origin: germline.
Comment: Variant summary: CFTR c.1399C>T (p.Leu467Phe) results in a non-conservative amino acid change located in the ABC transporter-like and AAA+ ATPase domain of the encoded protein sequence. Algorithms developed to predict the effect of missense changes on protein structure and function all suggest that this variant is likely to be disruptive. The variant allele was found at a frequency of 4e-05 in 251294 control chromosomes. This frequency is not significantly higher than estimated for disease-causing variants in CFTR, allowing no conclusion about variant significance.c.1399C>T has been reported in the literature in individuals affected with Cystic Fibrosis as well as CFTR-related disorders, however, often a second allele is not specified. In addition, the variant has been reported in multiple patients in cis with the common pathogenic mutation F508del, in both internal samples and reported in the literature (e.g. Vecchio-Pagan_2016, Costa_2011, Sermet-Gaudelus_2010, Terlizzi_2020, Kondratyeva_2022), suggesting the variant may be benign. However, recent cases and functional evidence has suggested that p.Leu467Phe, as part of a complex allele with F508del, may impact patient response to CFTR modulators, although it does not necessarily increase the severity of disease symptoms (Kondratyeva_2022, Sondo_2022). In a cell-based functional study, CFTR-p.Leu467Phe tested alone had a significantly reduced maturation compared to CFTR-WT and a reduced channel activity (Baatallah_2018). However, the impact of this variant in relation to human disease remains unclear. The following publications have been ascertained in the context of this evaluation (PMID: 20538955, 36286063, 32292813, 32026723, 32150665, 29271547, 27917292, 26436105, 28603918, 26437683, 36142302, 21783433, 22892530, 24106596, 22020151, 16436643, 19202204, 10923036, 18716917, 35328596, 38388235, 35365085). ClinVar contains an entry for this variant (Variation ID: 53246). Based on the evidence outlined above, the variant was classified as VUS-possibly benign.

Labcorp Genetics (formerly Invitae), Labcorp
Classification: Uncertain significance for Cystic fibrosis. Last evaluated: 2025-11-19. Review status: criteria provided, single submitter. Criteria: Invitae Variant Classification Sherloc (09022015). Collection method: clinical testing. Allele origin: germline.
Comment: This sequence change replaces leucine, which is neutral and non-polar, with phenylalanine, which is neutral and non-polar, at codon 467 of the CFTR protein (p.Leu467Phe). This variant is present in population databases (rs1800089, gnomAD 0.009%). This variant has been observed in several individuals affected with CFTR-related conditions (PMID: 16436643, 29271547, 21783433, 10923036, 26436105, 27917292, 24106596, 19202204, 29504914). However, in most of these individuals this variant was observed in cis with a pathogenic allele, which suggests that this c.1399C>T variant was not the primary cause of disease. ClinVar contains an entry for this variant (Variation ID: 53246). Invitae Evidence Modeling of protein sequence and biophysical properties (such as structural, functional, and spatial information, amino acid conservation, physicochemical variation, residue mobility, and thermodynamic stability) indicates that this missense variant is expected to disrupt CFTR protein function with a positive predictive value of 80%. Experimental studies have shown that this missense change affects CFTR function (PMID: 29271547, 38388235). This variant disrupts the p.Leu467 amino acid residue in CFTR. Other variant(s) that disrupt this residue have been determined to be pathogenic (PMID: 20510657, 23891399, 23974870, 26708955). This suggests that this residue is clinically significant, and that variants that disrupt this residue are likely to be disease-causing. In summary, the available evidence is currently insufficient to determine the role of this variant in disease. Therefore, it has been classified as a Variant of Uncertain Significance.

Quest Diagnostics Nichols Institute San Juan Capistrano
Classification: Uncertain significance. Last evaluated: 2025-06-03. Review status: criteria provided, single submitter. Criteria: Quest Diagnostics criteria. Collection method: clinical testing. Allele origin: unknown.
Comment: The CFTR c.1399C>T (p.Leu467Phe) variant has been reported in the published literature in individuals with cystic fibrosis (PMID: 34860163 (2021), 34782259 (2021), 26436105 (2015), 24106596 (2013), 16436643 (2006)). In multiple affected individuals, this variant was found to occur in-cis (on the same chromosome) with the CFTR c.1521_1523del (p.Phe508del) pathogenic variant, suggesting the c.1399C>T (p.Leu467Phe) variant may not be the primary cause of disease (PMID: 35365085 (2022), 27917292 (2016), 21783433 (2011), 10923036 (2000)). However, functional studies demonstrate a damaging effect of this variant on CFTR protein function both alone and as a complex allele with the p.Phe508del variant (PMID: 36142302 (2022), 35328596 (2022), 29271547 (2018)). The frequency of this variant in the general population (Genome Aggregation Database) is uninformative in the assessment of its pathogenicity. Based on the available information, we are unable to determine the clinical significance of this variant.

Blueprint Genetics
Classification: Uncertain significance. Last evaluated: 2024-10-28. Review status: criteria provided, single submitter. Criteria: ACMG Guidelines, 2015. Collection method: clinical testing. Allele origin: germline.

Genomic Medicine Center of Excellence, King Faisal Specialist Hospital and Research Centre
Classification: Likely pathogenic for Cystic fibrosis. Last evaluated: 2024-03-26. Review status: criteria provided, single submitter. Criteria: ACMG Guidelines, 2015. Collection method: clinical testing. Allele origin: germline.